The following is an entry in ClinVar:

ClinVar aggregate classification (germline): Uncertain significance. Review status: criteria provided, multiple submitters, no conflicts (2 of 4 stars). 2 submissions from 2 submitters: Uncertain significance (2). Last evaluated 2024-10-18.

Conditions:
Inborn genetic diseases. Identifiers: MedGen C0950123, MeSH D030342.
Congenital myasthenic syndrome 8. Also called: MYASTHENIC SYNDROME, CONGENITAL, DUE TO AGRIN DEFICIENCY; Myasthenic syndrome, congenital, 8, with pre- and postsynaptic defects. Identifiers: Orphanet 590, MedGen C3808739, MONDO:0014052, OMIM 615120.

Allele frequency attached by ClinVar (database versions not stated): ExAC 0.00002.
gnomAD v4.1: 9 of 1,607,344 alleles (0.00056%); highest among the groups gnomAD compares: South Asian, 0.0077%; no homozygotes.

Submissions (2):

Labcorp Genetics (formerly Invitae), Labcorp
Classification: Uncertain significance for Congenital myasthenic syndrome 8. Last evaluated: 2024-10-18. Review status: criteria provided, single submitter. Criteria: Invitae Variant Classification Sherloc (09022015). Collection method: clinical testing. Allele origin: germline.
Comment: This sequence change replaces proline, which is neutral and non-polar, with arginine, which is basic and polar, at codon 340 of the AGRN protein (p.Pro340Arg). This variant is present in population databases (rs755294285, gnomAD 0.007%). This variant has not been reported in the literature in individuals affected with AGRN-related conditions. ClinVar contains an entry for this variant (Variation ID: 1896227). An algorithm developed to predict the effect of missense changes on protein structure and function (PolyPhen-2) suggests that this variant is likely to be disruptive. In summary, the available evidence is currently insufficient to determine the role of this variant in disease. Therefore, it has been classified as a Variant of Uncertain Significance.

Ambry Genetics
Classification: Uncertain significance for Inborn genetic diseases. Last evaluated: 2023-12-18. Review status: criteria provided, single submitter. Criteria: Ambry Variant Classification Scheme 2023. Collection method: clinical testing. Allele origin: germline.

NM_198576.4(AGRN):c.1019C>G (p.Pro340Arg)

Gene: AGRN (agrin; plus strand). Cytogenetic location: 1p36.33.
Variant type: single nucleotide variant.
Coding change: c.1019C>G on transcript NM_198576.4 (MANE Select); coding-DNA position 1019, C replaced by G.
Protein change: p.Pro340Arg; replaces proline 340 with arginine.
Molecular consequence: missense variant.
Genome position (GRCh38, 1-based): chr1:1,041,544, C>G. VCF-style: chr1-1041544-C-G. GRCh37 (hg19) VCF-style: chr1-976924-C-G.
Other names: c.1019C>G, p.Pro340Arg (NM_001305275.2); c.704C>G, p.Pro235Arg (NM_001364727.2); c.1019C>G (NM_198576.3); short protein forms P340R, P235R.
Identifiers: ClinVar variation 1896227 (VCV001896227.6), dbSNP rs755294285, ClinGen allele CA507978.